The following is an entry in ClinVar:

ClinVar aggregate classification (germline): Uncertain significance (1 of 4 stars; one submission).

gnomAD v4.1: 1 of 1,613,624 alleles (0.000062%); highest among the groups gnomAD compares: African/African-American, 0.0013%; no homozygotes.

Submission:

GeneDx
Classification: Uncertain significance. Last evaluated: 2024-11-22. Review status: criteria provided, single submitter. Criteria: GeneDx Variant Classification Process June 2021. Collection method: clinical testing. Allele origin: germline. Affected: yes.
Comment: Nonsense variant predicted to result in protein truncation as the last 137 amino acid(s) are lost; Has not been previously published as pathogenic or benign to our knowledge

NM_001205293.3(CACNA1E):c.6529C>T (p.Arg2177Ter)

Gene: CACNA1E (calcium voltage-gated channel subunit alpha1 E; plus strand). Cytogenetic location: 1q25.3.
Variant type: single nucleotide variant.
Coding change: c.6529C>T on transcript NM_001205293.3 (MANE Select); coding-DNA position 6529, C replaced by T.
Protein change: p.Arg2177Ter; replaces arginine 2177 with a stop codon.
Molecular consequence: nonsense.
Genome position (GRCh38, 1-based): chr1:181,798,421, C>T. VCF-style: chr1-181798421-C-T. GRCh37 (hg19) VCF-style: chr1-181767557-C-T.
Other names: c.6400C>T, p.Arg2134Ter (NM_000721.4); c.6343C>T, p.Arg2115Ter (NM_001205294.2); short protein forms R2115*, R2134*, R2177*.
Identifiers: ClinVar variation 3900063 (VCV003900063.1).
Genomic context (GRCh38, chr1:181,798,421, plus strand): 5'-CGGCAGCTCCCACCCGTCCCGCCAAAGCCCCGGCCCCTCCTTTCCTACAGCTCCCTGATT[C>T]GACACGCGGGCAGCATCTCTCCACCTGCTGATGGAAGCGAGGAGGGCTCCCCGCTGACCT-3'